The following is an entry in ClinVar:

ClinVar aggregate classification (germline): Likely benign (1 of 4 stars; one submission).

Allele frequency attached by ClinVar (database versions not stated): gnomAD exomes 0.00099; ExAC 0.00121; 1000 Genomes Project 0.00339; gnomAD 0.00344 and 0.00372; 1000 Genomes Project 30x 0.00359; TOPMed 0.00397; ESP Exome Variant Server 0.00415.
gnomAD v4.1: 845 of 1,027,116 alleles (0.082%); highest among the groups gnomAD compares: African/African-American, 1.2%; 3 homozygotes.

Submission:

GeneDx
Classification: Likely benign. Last evaluated: 2018-06-16. Review status: criteria provided, single submitter. Criteria: GeneDx Variant Classification (06012015). Collection method: clinical testing. Allele origin: germline. Affected: yes.
Comment: This variant is considered likely benign or benign based on one or more of the following criteria: it is a conservative change, it occurs at a poorly conserved position in the protein, it is predicted to be benign by multiple in silico algorithms, and/or has population frequency not consistent with disease.

NM_004453.4(ETFDH):c.487+50G>A

Gene: ETFDH (electron transfer flavoprotein dehydrogenase; plus strand). Cytogenetic location: 4q32.1.
Variant type: single nucleotide variant.
Coding change: c.487+50G>A on transcript NM_004453.4 (MANE Select); 50 bases into the intron after coding-DNA position 487, G replaced by A.
Molecular consequence: intron variant.
Genome position (GRCh38, 1-based): chr4:158,684,723, G>A. VCF-style: chr4-158684723-G-A. GRCh37 (hg19) VCF-style: chr4-159605875-G-A.
Other names: c.346+50G>A (NM_001281737.2); c.304+50G>A (NM_001281738.1).
Identifiers: ClinVar variation 678342 (VCV000678342.1), dbSNP rs61708999, ClinGen allele CA3122371.